The following is an entry in ClinVar:

NM_000260.4(MYO7A):c.4829C>T (p.Ala1610Val)

Gene: MYO7A (myosin VIIA; plus strand). Cytogenetic location: 11q13.5.
Variant type: single nucleotide variant.
Coding change: c.4829C>T on transcript NM_000260.4 (MANE Select); coding-DNA position 4829, C replaced by T.
Protein change: p.Ala1610Val; replaces alanine 1610 with valine.
Molecular consequence: missense variant.
Genome position (GRCh38, 1-based): chr11:77,199,795, C>T. VCF-style: chr11-77199795-C-T. GRCh37 (hg19) VCF-style: chr11-76910840-C-T.
Other names: c.4715C>T, p.Ala1572Val (NM_001127180.2); c.4682C>T, p.Ala1561Val (NM_001369365.1); short protein forms A1561V, A1610V, A1572V.
Identifiers: ClinVar variation 2825513 (VCV002825513.3), dbSNP rs2497594659, ClinGen allele CA381951019.

ClinVar aggregate classification (germline): Uncertain significance (1 of 4 stars; one submission).

Allele frequency attached by ClinVar (database versions not stated): gnomAD exomes below 0.00001.
gnomAD v4.1: 1 of 1,600,836 alleles (0.000062%); highest among the groups gnomAD compares: Non-Finnish European, 0.000085%; no homozygotes.

Submission:

Labcorp Genetics (formerly Invitae), Labcorp
Classification: Uncertain significance. Last evaluated: 2022-12-31. Review status: criteria provided, single submitter. Criteria: Invitae Variant Classification Sherloc (09022015). Collection method: clinical testing. Allele origin: germline.
Comment: In summary, the available evidence is currently insufficient to determine the role of this variant in disease. Therefore, it has been classified as a Variant of Uncertain Significance. Advanced modeling of protein sequence and biophysical properties (such as structural, functional, and spatial information, amino acid conservation, physicochemical variation, residue mobility, and thermodynamic stability) performed at Invitae indicates that this missense variant is not expected to disrupt MYO7A protein function. This variant has not been reported in the literature in individuals affected with MYO7A-related conditions. This variant is not present in population databases (gnomAD no frequency). This sequence change replaces alanine, which is neutral and non-polar, with valine, which is neutral and non-polar, at codon 1610 of the MYO7A protein (p.Ala1610Val).